The following is an entry in ClinVar:

ClinVar aggregate classification (germline): Uncertain significance (1 of 4 stars; one submission).

Conditions:
Brachyolmia-amelogenesis imperfecta syndrome. Also called: Tooth agenesis, selective, 6; Dental anomalies and short stature; PLATYSPONDYLY WITH AMELOGENESIS IMPERFECTA. Identifiers: Orphanet 2899, MedGen C1832594, MONDO:0011018, OMIM 601216. Disease mechanism: loss of function.

Allele frequency attached by ClinVar (database versions not stated): gnomAD exomes below 0.00001.
gnomAD v4.1: 1 of 1,564,386 alleles (0.000064%); highest among the groups gnomAD compares: Non-Finnish European, 0.000086%; no homozygotes.

Submission:

Labcorp Genetics (formerly Invitae), Labcorp
Classification: Uncertain significance for Brachyolmia-amelogenesis imperfecta syndrome. Last evaluated: 2023-03-24. Review status: criteria provided, single submitter. Criteria: Invitae Variant Classification Sherloc (09022015). Collection method: clinical testing. Allele origin: germline.
Comment: An algorithm developed to predict the effect of missense changes on protein structure and function (PolyPhen-2) suggests that this variant is likely to be tolerated. In summary, the available evidence is currently insufficient to determine the role of this variant in disease. Therefore, it has been classified as a Variant of Uncertain Significance. This sequence change replaces leucine, which is neutral and non-polar, with proline, which is neutral and non-polar, at codon 259 of the LTBP3 protein (p.Leu259Pro). This variant is not present in population databases (gnomAD no frequency). This variant has not been reported in the literature in individuals affected with LTBP3-related conditions.

NM_001130144.3(LTBP3):c.776T>C (p.Leu259Pro)

Gene: LTBP3 (latent transforming growth factor beta binding protein 3; minus strand). Cytogenetic location: 11q13.1.
Variant type: single nucleotide variant.
Coding change: c.776T>C on transcript NM_001130144.3 (MANE Select); coding-DNA position 776, T replaced by C.
Protein change: p.Leu259Pro; replaces leucine 259 with proline.
Molecular consequence: missense variant.
Genome position (GRCh38, 1-based): chr11:65,553,789, A>G on the plus strand (T>C on the coding strand, the complement: LTBP3 is on the minus strand). VCF-style: chr11-65553789-A-G. GRCh37 (hg19) VCF-style: chr11-65321260-A-G.
Other names: c.425T>C, p.Leu142Pro (NM_001164266.1); c.776T>C, p.Leu259Pro (NM_021070.4); short protein forms L142P, L259P.
Identifiers: ClinVar variation 2849212 (VCV002849212.3), dbSNP rs2496176003, ClinGen allele CA381275785.